The following is an entry in ClinVar:

NM_000642.3(AGL):c.2783G>A (p.Trp928Ter)

Gene: AGL (amylo-alpha-1,6-glucosidase and 4-alpha-glucanotransferase; plus strand). Cytogenetic location: 1p21.2.
Variant type: single nucleotide variant.
Coding change: c.2783G>A on transcript NM_000642.3 (MANE Select); coding-DNA position 2783, G replaced by A.
Protein change: p.Trp928Ter; replaces tryptophan 928 with a stop codon.
Molecular consequence: nonsense.
Genome position (GRCh38, 1-based): chr1:99,888,079, G>A. VCF-style: chr1-99888079-G-A. GRCh37 (hg19) VCF-style: chr1-100353635-G-A.
Other names: c.2783G>A, p.Trp928Ter (NM_000028.3, NM_000643.3, NM_000644.3 and 2 more transcripts); c.2735G>A, p.Trp912Ter (NM_000646.3); c.2582G>A, p.Trp861Ter (NM_001425327.1); c.2579G>A, p.Trp860Ter (NM_001425328.1); c.2444G>A, p.Trp815Ter (NM_001425329.1); c.2405G>A, p.Trp802Ter (NM_001425332.1); short protein forms W912*, W928*, W802*, W815*, W860*, W861*.
Identifiers: ClinVar variation 1726278 (VCV001726278.2), dbSNP rs1182488370, ClinGen allele CA341323218.

ClinVar aggregate classification (germline): Likely pathogenic (1 of 4 stars; one submission).

Conditions:
Glycogen storage disease type III (GSD3). Also called: FORBES DISEASE; Cori disease. Identifiers: Orphanet 366, MedGen C0017922, MONDO:0009291, OMIM 232400.

Allele frequency attached by ClinVar (database versions not stated): gnomAD exomes below 0.00001; gnomAD 0.00001; TOPMed 0.00001.
gnomAD v4.1: 2 of 1,613,174 alleles (0.00012%); highest among the groups gnomAD compares: African/African-American, 0.0027%; no homozygotes.

Submission:

Myriad Genetics, Inc.
Classification: Likely pathogenic for Glycogen storage disease type III. Last evaluated: 2022-02-28. Review status: criteria provided, single submitter. Criteria: Myriad Women's Health Autosomal Recessive and X-Linked Classification Criteria (2021). Collection method: clinical testing. Allele origin: unknown.
Comment: NM_000642.2(AGL):c.2783G>A(W928*) is expected to be pathogenic in the context of glycogen storage disease type III. This variant is predicted to lead to an abnormal or absent protein product due to the creation of a premature termination codon in AGL, a gene where loss-of-function variants are known to be pathogenic. Please note: this variant was assessed in the context of healthy population screening.